The following is an entry in ClinVar:

NM_001264.5(CDSN):c.536A>G (p.Asn179Ser)

Genes: CDSN (corneodesmosin; minus strand), PSORS1C1 (psoriasis susceptibility 1 candidate 1; plus strand). Cytogenetic location: 6p21.33.
Variant type: single nucleotide variant.
Coding change: c.536A>G on transcript NM_001264.5 (MANE Select); coding-DNA position 536, A replaced by G.
Protein change: p.Asn179Ser; replaces asparagine 179 with serine.
Molecular consequence: missense variant. On other transcripts: intron variant (1).
Genome position (GRCh38, 1-based): chr6:31,117,079, T>C on the plus strand (A>G on the coding strand, the complement: CDSN is on the minus strand). VCF-style: chr6-31117079-T-C. GRCh37 (hg19) VCF-style: chr6-31084856-T-C.
Other names: c.-229+2188T>C (NM_014068.3); short protein forms N179S.
Identifiers: ClinVar variation 716865 (VCV000716865.13), dbSNP rs148393062, ClinGen allele CA3708477.
Genomic context (GRCh38, chr6:31,117,079, plus strand): 5'-GAAGAGGAAGAGCTTTGTCCAGGCTGGGAAGGGTTTAGTATTCCGCGGTAAGAGTTGTCA[T>C]TGGTTGGCAGAGCAGAGCCATTCCCTACTTGGAAGCTGCTGCTGCTGAACTGAAAGCTGC-3'
Protein context (NP_001255.4, residues 169-189): QVGNGSALPT[Asn179Ser]DNSYRGILNP

ClinVar aggregate classification (germline): Likely benign. Review status: criteria provided, multiple submitters, no conflicts (2 of 4 stars). 4 submissions from 4 submitters: Likely benign (3). 1 of the submissions does not count toward it. Last evaluated 2026-01-07.

Conditions:
CDSN-related disorder. Also called: CDSN-related condition.
Hypotrichosis 2 (HYPT2). Also called: HYPOTRICHOSIS SIMPLEX OF THE SCALP 1; HYPOTRICHOSIS, SPANISH TYPE. Identifiers: Orphanet 90368, MedGen C1840299, MONDO:0007805, OMIM 146520.

Allele frequency attached by ClinVar (database versions not stated): gnomAD exomes 0.00022 and 0.00038; ExAC 0.00040; 1000 Genomes Project 0.00160; 1000 Genomes Project 30x 0.00172; TOPMed 0.00176; gnomAD 0.00178 and 0.00194; ESP Exome Variant Server 0.00200.
gnomAD v4.1: 592 of 1,614,210 alleles (0.037%); highest among the groups gnomAD compares: African/African-American, 0.74%; 4 homozygotes.

Submissions (4):

Labcorp Genetics (formerly Invitae), Labcorp
Classification: Likely benign. Last evaluated: 2026-01-07. Review status: criteria provided, single submitter. Criteria: Invitae Variant Classification Sherloc (09022015). Collection method: clinical testing. Allele origin: germline.

Department of Pathology and Laboratory Medicine, Sinai Health System
Classification: Likely benign for hypotrichosis 2. Last evaluated: 2021-07-30. Review status: criteria provided, single submitter. Criteria: ACMG Guidelines, 2015. Collection method: research. Allele origin: germline.

Breakthrough Genomics
Classification: Likely benign. Review status: criteria provided, single submitter. Criteria: ACMG Guidelines, 2015. Collection method: not provided. Allele origin: germline. Inheritance: Autosomal recessive inheritance. Affected: yes.

PreventionGenetics, part of Exact Sciences
Classification: Likely benign for CDSN-related condition. Last evaluated: 2019-12-24. Review status: no assertion criteria provided. Collection method: clinical testing. Allele origin: germline. Not counted in ClinVar's aggregate classification.
Comment: This variant is classified as likely benign based on ACMG/AMP sequence variant interpretation guidelines (Richards et al. 2015 PMID: 25741868, with internal and published modifications).